The following is an entry in ClinVar:

NM_001184.4(ATR):c.7922C>T (p.Thr2641Ile)

Gene: ATR (ATR checkpoint kinase; minus strand). Cytogenetic location: 3q23.
Variant type: single nucleotide variant.
Coding change: c.7922C>T on transcript NM_001184.4 (MANE Select); coding-DNA position 7922, C replaced by T.
Protein change: p.Thr2641Ile; replaces threonine 2641 with isoleucine.
Molecular consequence: missense variant.
Genome position (GRCh38, 1-based): chr3:142,449,442, G>A on the plus strand (C>T on the coding strand, the complement: ATR is on the minus strand). VCF-style: chr3-142449442-G-A. GRCh37 (hg19) VCF-style: chr3-142168284-G-A.
Other names: c.7730C>T, p.Thr2577Ile (NM_001354579.2); short protein forms T2577I, T2641I.
Identifiers: ClinVar variation 2045708 (VCV002045708.4), dbSNP rs2070728724, ClinGen allele CA354793637.

ClinVar aggregate classification (germline): Uncertain significance (1 of 4 stars; one submission).

Allele frequency attached by ClinVar (database versions not stated): TOPMed below 0.00001.

Submission:

Labcorp Genetics (formerly Invitae), Labcorp
Classification: Uncertain significance. Last evaluated: 2022-01-02. Review status: criteria provided, single submitter. Criteria: Invitae Variant Classification Sherloc (09022015). Collection method: clinical testing. Allele origin: germline.
Comment: In summary, the available evidence is currently insufficient to determine the role of this variant in disease. Therefore, it has been classified as a Variant of Uncertain Significance. Algorithms developed to predict the effect of missense changes on protein structure and function are either unavailable or do not agree on the potential impact of this missense change (SIFT: "Tolerated"; PolyPhen-2: "Possibly Damaging"; Align-GVGD: "Class C0"). This variant has not been reported in the literature in individuals affected with ATR-related conditions. This variant is not present in population databases (gnomAD no frequency). This sequence change replaces threonine, which is neutral and polar, with isoleucine, which is neutral and non-polar, at codon 2641 of the ATR protein (p.Thr2641Ile).